The following is an entry in ClinVar:

ClinVar aggregate classification (germline): Uncertain significance. Review status: criteria provided, multiple submitters, no conflicts (2 of 4 stars). 2 submissions from 2 submitters: Uncertain significance (2). Last evaluated 2026-07-02.

Conditions:
Distal hereditary motor neuropathy type 2. Identifiers: Orphanet 139525, MedGen C3711384, MeSH C580044, MONDO:0015352.
FBXO38-related disorder. Also called: FBXO38-related condition.

Allele frequency attached by ClinVar (database versions not stated): gnomAD 0.00001; TOPMed 0.00001; ExAC 0.00002; gnomAD exomes 0.00002.
gnomAD v4.1: 19 of 1,613,966 alleles (0.0012%); highest among the groups gnomAD compares: African/African-American, 0.0053%; no homozygotes.

Submissions (2):

PreventionGenetics, part of Exact Sciences
Classification: Uncertain significance for FBXO38-related condition. Last evaluated: 2026-07-02. Review status: criteria provided, single submitter. Criteria: ACMG Guidelines, 2015. Collection method: clinical testing. Allele origin: germline.
Comment: The FBXO38 c.1996G>A variant is predicted to result in the amino acid substitution p.Glu666Lys. To our knowledge, this variant has not been reported in the literature. This variant is reported in 0.0080% of alleles in individuals of African descent in gnomAD. At this time, the clinical significance of this variant is uncertain due to the absence of conclusive functional and genetic evidence.

Labcorp Genetics (formerly Invitae), Labcorp
Classification: Uncertain significance for Distal hereditary motor neuropathy type 2. Last evaluated: 2025-05-05. Review status: criteria provided, single submitter. Criteria: Invitae Variant Classification Sherloc (09022015). Collection method: clinical testing. Allele origin: germline.
Comment: This sequence change replaces glutamic acid, which is acidic and polar, with lysine, which is basic and polar, at codon 666 of the FBXO38 protein (p.Glu666Lys). This variant is present in population databases (rs770649145, gnomAD 0.008%). This variant has not been reported in the literature in individuals affected with FBXO38-related conditions. ClinVar contains an entry for this variant (Variation ID: 661268). Invitae Evidence Modeling of protein sequence and biophysical properties (such as structural, functional, and spatial information, amino acid conservation, physicochemical variation, residue mobility, and thermodynamic stability) indicates that this missense variant is not expected to disrupt FBXO38 protein function with a negative predictive value of 80%. In summary, the available evidence is currently insufficient to determine the role of this variant in disease. Therefore, it has been classified as a Variant of Uncertain Significance.

NM_205836.3(FBXO38):c.1996G>A (p.Glu666Lys)

Gene: FBXO38 (F-box protein 38; plus strand). Cytogenetic location: 5q32.
Variant type: single nucleotide variant.
Coding change: c.1996G>A on transcript NM_205836.3 (MANE Select); coding-DNA position 1996, G replaced by A.
Protein change: p.Glu666Lys; replaces glutamic acid 666 with lysine.
Molecular consequence: missense variant. On other transcripts: intron variant (1).
Genome position (GRCh38, 1-based): chr5:148,427,290, G>A. VCF-style: chr5-148427290-G-A. GRCh37 (hg19) VCF-style: chr5-147806853-G-A.
Other names: c.1996G>A, p.Glu666Lys (NM_030793.5); c.1918+1589G>A (NM_001271723.2); short protein forms E666K.
Identifiers: ClinVar variation 661268 (VCV000661268.9), dbSNP rs770649145, ClinGen allele CA3497432.